The following is an entry in ClinVar:

ClinVar aggregate classification (germline): Pathogenic (1 of 4 stars; one submission).

Conditions:
Ataxia-telangiectasia syndrome (AT). Also called: LOUIS-BAR SYNDROME; Cerebello-oculocutaneous telangiectasia; Immunodeficiency with ataxia telangiectasia; ATAXIA-TELANGIECTASIA, COMPLEMENTATION GROUP A; ATAXIA-TELANGIECTASIA, FRESNO VARIANT; Ataxia-telangiectasia, complementation group D. Identifiers: Orphanet 100, MedGen C0004135, MONDO:0008840, OMIM 208900.

Submission:

Labcorp Genetics (formerly Invitae), Labcorp
Classification: Pathogenic for Ataxia-telangiectasia syndrome. Last evaluated: 2021-03-14. Review status: criteria provided, single submitter. Criteria: Invitae Variant Classification Sherloc (09022015). Collection method: clinical testing. Allele origin: germline.
Comment: This variant is not present in population databases (ExAC no frequency). This sequence change creates a premature translational stop signal (p.Leu615Hisfs*6) in the ATM gene. It is expected to result in an absent or disrupted protein product. Loss-of-function variants in ATM are known to be pathogenic (PMID: 23807571, 25614872). This variant has not been reported in the literature in individuals with ATM-related conditions. For these reasons, this variant has been classified as Pathogenic.

Literature cited by the submitters: PubMed 23807571; PubMed 25614872.

NM_000051.4(ATM):c.1840_1841del (p.Leu615fs)

Gene: ATM (ATM serine/threonine kinase; plus strand). Cytogenetic location: 11q22.3.
Variant type: Deletion.
Coding change: c.1840_1841del on transcript NM_000051.4 (MANE Select); coding-DNA positions 1840 to 1841, 2 bases deleted (AG; older notation c.1840_1841delAG).
Protein change: p.Leu615fs; shifts the reading frame from leucine 615.
Molecular consequence: frameshift variant.
Genome position (GRCh38, 1-based): chr11:108,252,854-108,252,855, AG deleted; deleting any 2 consecutive bases within chr11:108,252,853-108,252,855 gives the same sequence; the c. name uses the placement nearest the transcript's 3' end. VCF-style (leftmost placement, unchanged base first): chr11-108252852-TGA-T. GRCh37 (hg19) VCF-style: chr11-108123579-TGA-T.
Other names: c.1840_1841del, p.Leu615fs (NM_001351834.2); short protein forms L615fs.
Identifiers: ClinVar variation 1413046 (VCV001413046.6), dbSNP rs2135353714, ClinGen allele CA2573146731.
Genomic context (GRCh38, chr11:108,252,852, plus strand): 5'-TGAAGCTTTTTGTTTTTCTTTGTAGTAATTTTCCTCATCTTGTACTGGAGAAAATTCTTG[TGA>T]GTCTCACTATGAAAAACTGTAAAGCTGCAATGAATTTTTTCCAAAGCGTGCCAGAATGGT-3'